The following is an entry in ClinVar:

NM_004415.4(DSP):c.8481_8492del (p.2827_2830SGSR[4])

Gene: DSP (desmoplakin; plus strand). Cytogenetic location: 6p24.3.
Variant type: Deletion.
Coding change: c.8481_8492del on transcript NM_004415.4 (MANE Select); coding-DNA positions 8481 to 8492, 12 bases deleted (CGGCTCCCGCTC).
Protein change: p.2827_2830SGSR[4].
Genome position (GRCh38, 1-based): chr6:7,585,743-7,585,754, CGGCTCCCGCTC deleted; deleting any 12 consecutive bases within chr6:7,585,735-7,585,754 gives the same sequence; the c. name uses the placement nearest the transcript's 3' end. VCF-style (leftmost placement, unchanged base first): chr6-7585734-GTCCCGCTCCGGC-G. GRCh37 (hg19) VCF-style: chr6-7585967-GTCCCGCTCCGGC-G.
Other names: c.8481_8492delCGGCTCCCGCTC (NM_004415.2); c.6684_6695del, p.2228_2231SGSR[4] (NM_001008844.3); c.7152_7163del, p.2384_2387SGSR[4] (NM_001319034.2).
Identifiers: ClinVar variation 44972 (VCV000044972.19), dbSNP rs397516968, ClinGen allele CA007617.

ClinVar aggregate classification (germline): Conflicting classifications of pathogenicity. Review status: criteria provided, conflicting classifications (1 of 4 stars). 6 submissions from 6 submitters: Uncertain significance (1); Likely benign (5). Last evaluated 2025-02-05.

Conditions:
Cardiovascular phenotype. Identifiers: MedGen CN230736.
Arrhythmogenic cardiomyopathy with wooly hair and keratoderma. Also called: Dilated cardiomyopathy with woolly hair and keratoderma; Arrhythmogenic cardiomyopathy with woolly hair and keratoderma; PALMOPLANTAR KERATODERMA WITH LEFT VENTRICULAR CARDIOMYOPATHY AND WOOLLY HAIR; Carvajal syndrome. Identifiers: Orphanet 65282, MedGen C1854063, MONDO:0011581, OMIM 605676.
Arrhythmogenic right ventricular dysplasia 8 (ARVD8). Also called: Arrhythmogenic Right Ventricular Dysplasia/Cardiomyopathy 8; ARRHYTHMOGENIC RIGHT VENTRICULAR DYSPLASIA, FAMILIAL, 8; ARRHYTHMOGENIC RIGHT VENTRICULAR CARDIOMYOPATHY 8. Identifiers: MedGen C1843896, MONDO:0011831, OMIM 607450.
Cardiomyopathy (CMYO). Also called: Cardiomyopathies. Identifiers: Orphanet 167848, MedGen C0878544, MONDO:0004994, HP:0001638. Inheritance: Various modes of inheritance.

Submissions (6):

Labcorp Genetics (formerly Invitae), Labcorp
Classification: Likely benign for Arrhythmogenic cardiomyopathy with wooly hair and keratoderma; Arrhythmogenic right ventricular dysplasia 8. Last evaluated: 2025-02-05. Review status: criteria provided, single submitter. Criteria: Invitae Variant Classification Sherloc (09022015). Collection method: clinical testing. Allele origin: germline.

All of Us Research Program, National Institutes of Health
Classification: Uncertain significance for Arrhythmogenic cardiomyopathy with wooly hair and keratoderma. Last evaluated: 2024-01-11. Review status: criteria provided, single submitter. Criteria: ACMG Guidelines, 2015. Collection method: clinical testing. Allele origin: germline. Inheritance: Autosomal dominant inheritance. Observed: 1 variant allele, 1 heterozygote.
Comment: This study involves interpretation of variants in research participants for the purpose of population health screening. Participant phenotype was not available at the time of variant classification. Additional details can be found in publication PMID: 35346344, PMCID: PMC8962531

Color Diagnostics, LLC DBA Color Health
Classification: Likely benign for Cardiomyopathy. Last evaluated: 2020-12-04. Review status: criteria provided, single submitter. Criteria: ACMG Guidelines, 2015. Collection method: clinical testing. Allele origin: germline.

Ambry Genetics
Classification: Likely benign for Cardiovascular phenotype. Last evaluated: 2020-07-30. Review status: criteria provided, single submitter. Criteria: Ambry Variant Classification Scheme 2023. Collection method: clinical testing. Allele origin: germline.

GeneDx
Classification: Likely benign. Last evaluated: 2019-05-30. Review status: criteria provided, single submitter. Criteria: GeneDx Variant Classification Process June 2021. Collection method: clinical testing. Allele origin: germline. Affected: yes.
Comment: This variant is associated with the following publications: (PMID: 27532257, 21636032)

Laboratory for Molecular Medicine, Mass General Brigham Personalized Medicine
Classification: Likely benign. Last evaluated: 2013-02-11. Review status: criteria provided, single submitter. Criteria: LMM Criteria. Collection method: clinical testing. Allele origin: germline. Observed: 1 variant allele.
Comment: Ser2843_Arg2846del in exon 24 of DSP: This variant is not expected to have clini cal significance because it has been identified in 1.45% (62/4266) of African Am erican chromosomes from a broad population by the NHLBI Exome Sequencing Project. This in-frame deletion of four amino acids occurs within a section of repeating amino acids, which can result from several different DNA deletions, and is present in mammals (dolphin, opossum, and platy pus) and other evolutionarily distant species.

Literature cited by the submitters: PubMed 21636032 (cited by Ambry Genetics and Laboratory for Molecular Medicine, Mass General Brigham Personalized Medicine); PubMed 24503780 (cited by Ambry Genetics); PubMed 27532257 (cited by Ambry Genetics).